The following is an entry in ClinVar:

NM_002838.5(PTPRC):c.1314T>G (p.Asp438Glu)

Gene: PTPRC (protein tyrosine phosphatase receptor type C; plus strand). Cytogenetic location: 1q32.1.
Variant type: single nucleotide variant.
Coding change: c.1314T>G on transcript NM_002838.5 (MANE Select); coding-DNA position 1314, T replaced by G.
Protein change: p.Asp438Glu; replaces aspartic acid 438 with glutamic acid.
Molecular consequence: missense variant.
Genome position (GRCh38, 1-based): chr1:198,716,704, T>G. VCF-style: chr1-198716704-T-G. GRCh37 (hg19) VCF-style: chr1-198685833-T-G.
Other names: c.831T>G, p.Asp277Glu (NM_080921.4); short protein forms D277E, D438E.
Identifiers: ClinVar variation 2051274 (VCV002051274.1), dbSNP rs772260882, ClinGen allele CA344037222.

ClinVar aggregate classification (germline): Uncertain significance (1 of 4 stars; one submission).

Conditions:
Immunodeficiency 104. Also called: Severe combined immunodeficiency, autosomal recessive, T cell-negative, B cell-positive, NK cell-positive; SCID, AUTOSOMAL RECESSIVE, T CELL-NEGATIVE, B CELL-POSITIVE, NK CELL-POSITIVE; Severe Combined Immune Deficiency, Autosomal Recessive, TCell -Negative, B Cell-Positive, NK Cell-Positive, IL7R-Related; IMMUNODEFICIENCY 104, SEVERE COMBINED. Identifiers: MedGen C5676890, MONDO:0012163, OMIM 608971.

Allele frequency attached by ClinVar (database versions not stated): TOPMed 0.00001.
gnomAD v4.1: 3 of 1,612,066 alleles (0.00019%); highest among the groups gnomAD compares: Non-Finnish European, 0.00025%; no homozygotes.

Submission:

Labcorp Genetics (formerly Invitae), Labcorp
Classification: Uncertain significance for Immunodeficiency 104. Last evaluated: 2022-04-09. Review status: criteria provided, single submitter. Criteria: Invitae Variant Classification Sherloc (09022015). Collection method: clinical testing. Allele origin: germline.
Comment: This sequence change replaces aspartic acid, which is acidic and polar, with glutamic acid, which is acidic and polar, at codon 438 of the PTPRC protein (p.Asp438Glu). This variant is present in population databases (no rsID available, gnomAD 0.007%). This variant has not been reported in the literature in individuals affected with PTPRC-related conditions. Algorithms developed to predict the effect of missense changes on protein structure and function output the following: SIFT: "Tolerated"; PolyPhen-2: "Benign"; Align-GVGD: "Class C0". The glutamic acid amino acid residue is found in multiple mammalian species, which suggests that this missense change does not adversely affect protein function. In summary, the available evidence is currently insufficient to determine the role of this variant in disease. Therefore, it has been classified as a Variant of Uncertain Significance.